The following is an entry in ClinVar:

ClinVar aggregate classification (germline): Uncertain significance. Review status: criteria provided, multiple submitters, no conflicts (2 of 4 stars). 2 submissions from 2 submitters: Uncertain significance (2). Last evaluated 2025-07-23.

Conditions:
Hereditary cancer-predisposing syndrome. Also called: Hereditary neoplastic syndrome; Neoplastic Syndromes, Hereditary; Hereditary Cancer Syndrome; Tumor predisposition. Identifiers: Orphanet 140162, MedGen C0027672, MeSH D009386, MONDO:0015356.
Neuroblastoma, susceptibility to, 3. Also called: ALK-Related Neuroblastic Tumor Susceptibility. Identifiers: Orphanet 635, MedGen C2751681, MONDO:0013083, OMIM 613014.

gnomAD v4.1: 1 of 1,614,170 alleles (0.000062%); highest among the groups gnomAD compares: Non-Finnish European, 0.000085%; no homozygotes.

Submissions (2):

Ambry Genetics
Classification: Uncertain significance for Hereditary cancer-predisposing syndrome. Last evaluated: 2025-07-23. Review status: criteria provided, single submitter. Criteria: Ambry Variant Classification Scheme 2023. Collection method: clinical testing. Allele origin: germline.
Comment: The p.A207V variant (also known as c.620C>T), located in coding exon 1 of the ALK gene, results from a C to T substitution at nucleotide position 620. The alanine at codon 207 is replaced by valine, an amino acid with similar properties. This amino acid position is highly conserved in available vertebrate species. In addition, this alteration is predicted to be deleterious by in silico analysis. Based on the available evidence, the clinical significance of this variant remains unclear.

Labcorp Genetics (formerly Invitae), Labcorp
Classification: Uncertain significance for Neuroblastoma, susceptibility to, 3. Last evaluated: 2021-10-13. Review status: criteria provided, single submitter. Criteria: Invitae Variant Classification Sherloc (09022015). Collection method: clinical testing. Allele origin: germline.
Comment: This sequence change replaces alanine with valine at codon 207 of the ALK protein (p.Ala207Val). The alanine residue is moderately conserved and there is a small physicochemical difference between alanine and valine. This variant is not present in population databases (ExAC no frequency). This variant has not been reported in the literature in individuals affected with ALK-related conditions. Algorithms developed to predict the effect of missense changes on protein structure and function are either unavailable or do not agree on the potential impact of this missense change (SIFT: "Deleterious"; PolyPhen-2: "Possibly Damaging"; Align-GVGD: "Class C0"). Algorithms developed to predict the effect of sequence changes on RNA splicing suggest that this variant may create or strengthen a splice site. In summary, the available evidence is currently insufficient to determine the role of this variant in disease. Therefore, it has been classified as a Variant of Uncertain Significance.

NM_004304.5(ALK):c.620C>T (p.Ala207Val)

Gene: ALK (ALK receptor tyrosine kinase; minus strand). Cytogenetic location: 2p23.1.
Variant type: single nucleotide variant.
Coding change: c.620C>T on transcript NM_004304.5 (MANE Select); coding-DNA position 620, C replaced by T.
Protein change: p.Ala207Val; replaces alanine 207 with valine.
Molecular consequence: missense variant.
Genome position (GRCh38, 1-based): chr2:29,920,040, G>A on the plus strand (C>T on the coding strand, the complement: ALK is on the minus strand). VCF-style: chr2-29920040-G-A. GRCh37 (hg19) VCF-style: chr2-30142906-G-A.
Other names: c.620C>T (NM_004304.4); short protein forms A207V.
Identifiers: ClinVar variation 1413737 (VCV001413737.7), dbSNP rs2148442860, ClinGen allele CA346589672.